The following is an entry in ClinVar:

ClinVar aggregate classification (germline): Likely pathogenic. Review status: reviewed by expert panel (3 of 4 stars). 5 submissions from 5 submitters: Likely pathogenic (1). 4 of the submissions do not count toward it. Last evaluated 2023-09-28.

Conditions:
Marfan syndrome (MFS). Also called: Marfan syndrome type 1; Marfan syndrome, classic; Marfan's syndrome; FBN1-Related Marfan Syndrome; MARFAN SYNDROME, TYPE I. Identifiers: Orphanet 284963, Orphanet 558, MedGen C0024796, MONDO:0007947, OMIM 154700.
Familial thoracic aortic aneurysm and aortic dissection (TAAD). Also called: Thoracic aortic aneurysms and dissections. Identifiers: Orphanet 91387, MedGen C4707243, MONDO:0019625.

Submissions (5):

ClinGen FBN1 Variant Curation Expert Panel, ClinGen
Classification: Likely pathogenic for Marfan syndrome. Last evaluated: 2023-09-28. Review status: reviewed by expert panel. Criteria: Assertion Criteria VCEP FBN1 Version 1. Collection method: curation. Allele origin: germline. Inheritance: Autosomal dominant inheritance.
Comment: The NM_00138 c.3632_3634del is an in-frame deletion in FBN1predicted to cause a deletion of a phenylalanine at position 1211 (p.Phe1211del). This variant was found in a proband with a clinical diagnosis of Marfan syndrome (internal data, University of Ghent) (PP4). This variant was also found in a proband with ectopia lentis and an adverse aortic event and was found to segregate with the disease in two affected family members (internal data, University of Tokyo) (PP1). It has been reported in the literature in two unrelated individuals with ectopia lentis (PMID 19159394, 16222657), in one individual with a clinical diagnosis of Marfan syndrome (Ambry Genetics ClinVarentry) and in two unrelated individuals with thoracic aortic aneurysm and/or dissection (PMID 37042257, 33059708) (PS4). This variant is not present in gnomAD(PM2_sup). This variant is located in a non-repeat region in a cbEGF-like domain of the protein (PM4). The variant in FBN1 has been reported three times in ClinVar as likely pathogenic (Variation ID: 549178). In summary, this variant meets criteria to be classified as likely pathogenic for Marfan syndrome based on the ACMG/AMP criteria applied, as specified by the ClinGen FBN1 VCEP: PS4, PM4, PM2_Sup, PP1, PP4.

Ambry Genetics
Classification: Likely pathogenic for Familial thoracic aortic aneurysm and aortic dissection. Last evaluated: 2025-11-05. Review status: criteria provided, single submitter. Criteria: Ambry Variant Classification Scheme 2023. Collection method: clinical testing. Allele origin: germline. Not counted in ClinVar's aggregate classification.
Comment: The c.3632_3634delTCT variant (also known as p.F1211del) is located in coding exon 29 of the FBN1 gene. This variant results from an in-frame TCT deletion at nucleotide positions 3632 to 3634. This results in the in-frame deletion of a phenylalanine at codon 1211. This variant was reported in individual(s) with features consistent with Marfan syndrome (Arbustini E et al. Hum Mutat, 2005 Nov;26:494; S&ouml;ylen B et al. Clin Genet, 2009 Mar;75:265-70; Aalberts JJ et al. Gene, 2014 Jan;534:40-3; Stengl R et al. Orphanet J Rare Dis, 2020 10;15:290; Meester JAN et al. Genet Med, 2022 May;24:1045-1053; Yagyu T et al. J Am Heart Assoc, 2023 Apr;12:e028625; Ambry Internal Data). This amino acid position is well conserved in available vertebrate species. In addition, this alteration is predicted to be deleterious by in silico analysis (Choi Y et al. PLoS ONE. 2012; 7(10):e46688). This variant is considered to be rare based on population cohorts in the Genome Aggregation Database (gnomAD). Based on the majority of available evidence to date, this variant is likely to be pathogenic.

Clinical Genetics Laboratory, Skane University Hospital Lund
Classification: Likely pathogenic. Last evaluated: 2022-05-27. Review status: criteria provided, single submitter. Criteria: ACMG Guidelines, 2015. Collection method: clinical testing. Allele origin: germline. Affected: yes. Not counted in ClinVar's aggregate classification.

Centre of Medical Genetics, University of Antwerp
Classification: Likely pathogenic for Marfan syndrome. Last evaluated: 2021-03-01. Review status: criteria provided, single submitter. Criteria: Submitter's publication. Collection method: research. Allele origin: unknown. Affected: yes. Not counted in ClinVar's aggregate classification.
Comment: PM2, PS1, PP4

Center for Medical Genetics Ghent, University of Ghent
Classification: Likely pathogenic for Marfan syndrome. Last evaluated: 2017-11-07. Review status: no assertion criteria provided. Collection method: clinical testing. Allele origin: germline. Affected: yes. Not counted in ClinVar's aggregate classification.

Literature cited by the submitters: PubMed 16222657 (cited by Ambry Genetics); PubMed 19159394 (cited by Ambry Genetics); PubMed 24161884 (cited by Ambry Genetics); PubMed 33059708 (cited by Ambry Genetics); PubMed 35058154 (cited by Ambry Genetics); PubMed 37042257 (cited by Ambry Genetics).

NM_000138.5(FBN1):c.3632_3634del (p.Phe1211del)

Gene: FBN1 (fibrillin 1; minus strand). Cytogenetic location: 15q21.1.
Variant type: Deletion.
Coding change: c.3632_3634del on transcript NM_000138.5 (MANE Select); coding-DNA positions 3632 to 3634, 3 bases deleted (TCT; older notation c.3632_3634delTCT).
Protein change: p.Phe1211del; deletes phenylalanine 1211.
Molecular consequence: inframe deletion.
Genome position (GRCh38, 1-based): chr15:48,485,452-48,485,454, AGA deleted on the plus strand (TCT on the coding strand, the reverse complement: FBN1 is on the minus strand); deleting any 3 consecutive bases within chr15:48,485,452-48,485,456 gives the same sequence; the c. name uses the placement nearest the transcript's 3' end. VCF-style (leftmost placement, unchanged base first): chr15-48485451-CAGA-C. GRCh37 (hg19) VCF-style: chr15-48777648-CAGA-C.
Other names: NM_000138.5(FBN1):c.3632_3634del; p.Phe1211del; c.3632_3634delTCT (NM_000138.4); short protein forms F1211del.
Identifiers: ClinVar variation 549178 (VCV000549178.23), dbSNP rs1555398404, ClinGen allele CA658824437.